The following is an entry in ClinVar:

ClinVar aggregate classification (germline): Uncertain significance. Review status: criteria provided, multiple submitters, no conflicts (2 of 4 stars). 3 submissions from 3 submitters: Uncertain significance (2). 1 of the submissions does not count toward it. Last evaluated 2025-02-26.

Conditions:
FN1-related disorder. Also called: FN1-related condition.
Inborn genetic diseases. Identifiers: MedGen C0950123, MeSH D030342.

gnomAD v4.1: 23 of 1,614,042 alleles (0.0014%); highest among the groups gnomAD compares: African/African-American, 0.0027%; no homozygotes.

Submissions (3):

Ambry Genetics
Classification: Uncertain significance for Inborn genetic diseases. Last evaluated: 2025-02-26. Review status: criteria provided, single submitter. Criteria: Ambry Variant Classification Scheme 2023. Collection method: clinical testing. Allele origin: germline.

Labcorp Genetics (formerly Invitae), Labcorp
Classification: Uncertain significance. Last evaluated: 2024-07-08. Review status: criteria provided, single submitter. Criteria: Invitae Variant Classification Sherloc (09022015). Collection method: clinical testing. Allele origin: germline.
Comment: This sequence change replaces tyrosine, which is neutral and polar, with asparagine, which is neutral and polar, at codon 101 of the FN1 protein (p.Tyr101Asn). This variant is present in population databases (no rsID available, gnomAD 0.007%). This variant has not been reported in the literature in individuals affected with FN1-related conditions. Advanced modeling of protein sequence and biophysical properties (such as structural, functional, and spatial information, amino acid conservation, physicochemical variation, residue mobility, and thermodynamic stability) performed at Invitae indicates that this missense variant is not expected to disrupt FN1 protein function with a negative predictive value of 80%. In summary, the available evidence is currently insufficient to determine the role of this variant in disease. Therefore, it has been classified as a Variant of Uncertain Significance.

PreventionGenetics, part of Exact Sciences
Classification: Uncertain significance for FN1-related condition. Last evaluated: 2024-09-20. Review status: no assertion criteria provided. Collection method: clinical testing. Allele origin: germline. Not counted in ClinVar's aggregate classification.
Comment: The FN1 c.301T>A variant is predicted to result in the amino acid substitution p.Tyr101Asn. To our knowledge, this variant has not been reported in the literature. This variant is reported in 0.0065% of alleles in individuals of European (Non-Finnish) descent in gnomAD. At this time, the clinical significance of this variant is uncertain due to the absence of conclusive functional and genetic evidence.

NM_212482.4(FN1):c.301T>A (p.Tyr101Asn)

Genes: FN1 (fibronectin 1; minus strand), LOC126806499 (CDK7 strongly-dependent group 2 enhancer GRCh37_chr2:216298103-216299302; plus strand). Cytogenetic location: 2q35.
Variant type: single nucleotide variant.
Coding change: c.301T>A on transcript NM_212482.4 (MANE Select); coding-DNA position 301, T replaced by A.
Protein change: p.Tyr101Asn; replaces tyrosine 101 with asparagine.
Molecular consequence: missense variant.
Genome position (GRCh38, 1-based): chr2:215,433,438, A>T on the plus strand (T>A on the coding strand, the complement: FN1 is on the minus strand). VCF-style: chr2-215433438-A-T. GRCh37 (hg19) VCF-style: chr2-216298161-A-T.
Other names: c.301T>A, p.Tyr101Asn (NM_001306129.2, NM_001306130.2, NM_001306131.2 and 14 more transcripts); c.301T>A (NM_212482.1); short protein forms Y101N.
Identifiers: ClinVar variation 3352109 (VCV003352109.4).